The following is an entry in ClinVar:

NM_001001331.4(ATP2B2):c.782-2A>G

Gene: ATP2B2 (ATPase plasma membrane Ca2+ transporting 2; minus strand). Cytogenetic location: 3p25.3.
Variant type: single nucleotide variant.
Coding change: c.782-2A>G on transcript NM_001001331.4 (MANE Select); the canonical splice acceptor site of the intron before coding-DNA position 782, A replaced by G.
Molecular consequence: splice acceptor variant.
Genome position (GRCh38, 1-based): chr3:10,388,404, T>C on the plus strand (A>G on the coding strand, the complement: ATP2B2 is on the minus strand). VCF-style: chr3-10388404-T-C. GRCh37 (hg19) VCF-style: chr3-10430088-T-C.
Other names: c.782-2A>G (NM_001353564.1, NM_001683.5, NM_001330611.3 and 1 more transcripts).
Identifiers: ClinVar variation 2007214 (VCV002007214.4), dbSNP rs2470526970, ClinGen allele CA351772861.
Genomic context (GRCh38, chr3:10,388,404, plus strand): 5'-AGAGTTCACACCCACAGCAGTCACCAACATCCGTCCTGAGCCCTCCATCACGTGGGTTCC[T>C]GGGAAAGGGGACAAAAGCCAAGTTACCATTGCATGGTTGAAGCCGTCTCCCCAAAGGAGT-3'

ClinVar aggregate classification (germline): Likely pathogenic (1 of 4 stars; one submission).

Submission:

Labcorp Genetics (formerly Invitae), Labcorp
Classification: Likely pathogenic. Last evaluated: 2022-07-15. Review status: criteria provided, single submitter. Criteria: Invitae Variant Classification Sherloc (09022015). Collection method: clinical testing. Allele origin: germline.
Comment: This sequence change affects an acceptor splice site in intron 5 of the ATP2B2 gene. It is expected to disrupt RNA splicing. Variants that disrupt the donor or acceptor splice site typically lead to a loss of protein function (PMID: 16199547), and loss-of-function variants in ATP2B2 are known to be pathogenic (PMID: 30535804). This variant is not present in population databases (gnomAD no frequency). This variant has not been reported in the literature in individuals affected with ATP2B2-related conditions. Algorithms developed to predict the effect of sequence changes on RNA splicing suggest that this variant may disrupt the consensus splice site. In summary, the currently available evidence indicates that the variant is pathogenic, but additional data are needed to prove that conclusively. Therefore, this variant has been classified as Likely Pathogenic.

Literature cited by the submitters: PubMed 16199547; PubMed 30535804.